The following is an entry in ClinVar:

NM_001369.3(DNAH5):c.12225delinsAATAATTTT (p.Met4075fs)

Gene: DNAH5 (dynein axonemal heavy chain 5; minus strand). Cytogenetic location: 5p15.2.
Variant type: Indel.
Coding change: c.12225delinsAATAATTTT on transcript NM_001369.3 (MANE Select); coding-DNA position 12225, G replaced by AATAATTTT.
Protein change: p.Met4075fs; shifts the reading frame from methionine 4075.
Molecular consequence: frameshift variant.
Genome position (GRCh38, 1-based): chr5:13,721,054, C replaced by AAAATTATT on the plus strand (G replaced by AATAATTTT on the coding strand, the reverse complement: DNAH5 is on the minus strand). VCF-style: chr5-13721054-C-AAAATTATT. GRCh37 (hg19) VCF-style: chr5-13721163-C-AAAATTATT.
Other names: short protein forms M4075fs.
Identifiers: ClinVar variation 5010867 (VCV005010867.1).
Genomic context (GRCh38, chr5:13,721,054, plus strand): 5'-CCTTACGTTCGCCATGGTCTGCTGCAAGAGCTTCCGAGCATGGACTTCCTGGCCCTGGCC[C>AAAATTATT]ATGGACACATAACGGGTTTCTATTTTTAATCTCTTCCCCAAGGCAATGATGGAATCTGTG-3'

ClinVar aggregate classification (germline): Pathogenic (1 of 4 stars; one submission).

Conditions:
Primary ciliary dyskinesia 3. Identifiers: Orphanet 244, MedGen C1837618, MONDO:0012085, OMIM 608644.

Submission:

Myriad Genetics, Inc.
Classification: Pathogenic for Primary ciliary dyskinesia 3. Last evaluated: 2024-05-14. Review status: criteria provided, single submitter. Criteria: Myriad Autosomal Dominant, Autosomal Recessive and X-Linked Classification Criteria (2023). Collection method: clinical testing. Allele origin: unknown.
Comment: NM_001369.2(DNAH5):c.12225del1ins9(M4075Ifs*41) is expected to be pathogenic in the context of primary ciliary dyskinesia, DNAH5-related. This variant is predicted to lead to an abnormal or absent protein product due to the creation of a premature termination codon in DNAH5, a gene where loss-of-function variants are known to be pathogenic. Please note: this variant was assessed in the context of healthy population screening.